The following is an entry in ClinVar:

NM_004364.5(CEBPA):c.597G>T (p.Ala199=)

Gene: CEBPA (CCAAT enhancer binding protein alpha; minus strand). Cytogenetic location: 19q13.11.
Variant type: single nucleotide variant.
Coding change: c.597G>T on transcript NM_004364.5 (MANE Select); coding-DNA position 597, G replaced by T.
Protein change: p.Ala199=; no amino-acid change (alanine 199 retained).
Molecular consequence: synonymous variant.
Genome position (GRCh38, 1-based): chr19:33,301,818, C>A on the plus strand (G>T on the coding strand, the complement: CEBPA is on the minus strand). VCF-style: chr19-33301818-C-A. GRCh37 (hg19) VCF-style: chr19-33792724-C-A.
Other names: c.597G>T (NM_004364.3, NM_004364.4); c.240G>T, p.Ala80= (NM_001285829.2); c.702G>T, p.Ala234= (NM_001287424.2); c.555G>T, p.Ala185= (NM_001287435.2).
Identifiers: ClinVar variation 1538442 (VCV001538442.10), dbSNP rs1372984262, ClinGen allele CA507007487.
Genomic context (GRCh38, chr19:33,301,818, plus strand): 5'-GTGCATGGTGGTCTGGCCGCAGTGCGCGATCTGGAACTGCAGGTGCGGGGCGGCCAGGTG[C>A]GCGGGCGGCGGGTGCGGGTGCGGGTGCGAGGGCGGCGGCGGCGGCGGCGGCTGGTAAGGG-3'
Protein context (NP_004355.2, residues 189-209): PSHPHPHPPP[Ala199=]HLAAPHLQFQ

ClinVar aggregate classification (germline): Likely benign. Review status: criteria provided, multiple submitters, no conflicts (2 of 4 stars). 3 submissions from 3 submitters: Likely benign (3). Last evaluated 2026-07-09.

Conditions:
Acute myeloid leukemia (AML). Also called: Leukemia, acute myeloid, somatic; Leukemia, acute myelogenous, somatic; Acute myeloid leukemia, adult; AML adult; Acute non-lymphocytic leukemia; Acute granulocytic leukemia. Identifiers: Orphanet 519, MedGen C0023467, MeSH D015470, MONDO:0018874, OMIM 601626, HP:0004808. Disease mechanism: Constitutively activated FLT3.
CEBPA-related disorder. Also called: CEBPA-related condition.
Inborn genetic diseases. Identifiers: MedGen C0950123, MeSH D030342.

Submissions (3):

PreventionGenetics, part of Exact Sciences
Classification: Likely benign for CEBPA-related condition. Last evaluated: 2026-07-09. Review status: criteria provided, single submitter. Criteria: ACMG Guidelines, 2015. Collection method: clinical testing. Allele origin: germline.
Comment: This variant is classified as likely benign based on ACMG/AMP sequence variant interpretation guidelines (Richards et al. 2015 PMID: 25741868, with internal and published modifications).

Ambry Genetics
Classification: Likely benign for Inborn genetic diseases. Last evaluated: 2026-01-06. Review status: criteria provided, single submitter. Criteria: Ambry Variant Classification Scheme 2023. Collection method: clinical testing. Allele origin: germline.

Labcorp Genetics (formerly Invitae), Labcorp
Classification: Likely benign for Acute myeloid leukemia. Last evaluated: 2023-02-15. Review status: criteria provided, single submitter. Criteria: Invitae Variant Classification Sherloc (09022015). Collection method: clinical testing. Allele origin: germline.